The following is an entry in ClinVar:

NM_006393.3(NEBL):c.1976A>G (p.Glu659Gly)

Gene: NEBL (nebulette; minus strand). Cytogenetic location: 10p12.31.
Variant type: single nucleotide variant.
Coding change: c.1976A>G on transcript NM_006393.3 (MANE Select); coding-DNA position 1976, A replaced by G.
Protein change: p.Glu659Gly; replaces glutamic acid 659 with glycine.
Molecular consequence: missense variant. On other transcripts: intron variant (9).
Genome position (GRCh38, 1-based): chr10:20,819,503, T>C on the plus strand (A>G on the coding strand, the complement: NEBL is on the minus strand). VCF-style: chr10-20819503-T-C. GRCh37 (hg19) VCF-style: chr10-21108432-T-C.
Other names: c.250-6563A>G (NM_001377326.1, NM_001377327.1, NM_001377328.1); c.358-6563A>G (NM_213569.2, NM_001173484.2, NM_001377322.1); c.301-6563A>G (NM_001377324.1); c.292-6563A>G (NM_001377325.1); c.310-6563A>G (NM_001377323.1); short protein forms E659G.
Identifiers: ClinVar variation 1783705 (VCV001783705.2), dbSNP rs1382109831, ClinGen allele CA376094395.

ClinVar aggregate classification (germline): Uncertain significance (1 of 4 stars; one submission).

Submission:

Ambry Genetics
Classification: Uncertain significance. Last evaluated: 2021-08-10. Review status: criteria provided, single submitter. Criteria: Ambry Variant Classification Scheme 2023. Collection method: clinical testing. Allele origin: germline.
Comment: The p.E659G variant (also known as c.1976A>G), located in coding exon 20 of the NEBL gene, results from an A to G substitution at nucleotide position 1976. The glutamic acid at codon 659 is replaced by glycine, an amino acid with similar properties. This amino acid position is conserved. In addition, this alteration is predicted to be tolerated by in silico analysis. Since supporting evidence is limited at this time, the clinical significance of this alteration remains unclear.